The following is an entry in ClinVar:

ClinVar aggregate classification (germline): Benign. Review status: criteria provided, multiple submitters, no conflicts (2 of 4 stars). 6 submissions from 5 submitters: Benign (5). 1 of the submissions does not count toward it. Last evaluated 2026-01-26.

Conditions:
Amyotrophic lateral sclerosis type 16. Also called: AMYOTROPHIC LATERAL SCLEROSIS 16, JUVENILE. Identifiers: Orphanet 300605, MedGen C3280587, MONDO:0013715, OMIM 614373.
Autosomal recessive distal spinal muscular atrophy 2. Also called: NEURONOPATHY, DISTAL HEREDITARY MOTOR, JERASH TYPE; NEUROPATHY, DISTAL HEREDITARY MOTOR, JERASH TYPE; SPINAL MUSCULAR ATROPHY, JERASH TYPE; Hereditary motor neuropathy, Jerash type; Motor neuropathy, distal, Jerash type; NEUROPATHY, DISTAL HEREDITARY MOTOR, AUTOSOMAL RECESSIVE 2. Identifiers: Orphanet 139552, MedGen C1854023, MONDO:0011585, OMIM 605726.

Allele frequency attached by ClinVar (database versions not stated): 1000 Genomes Project 0.98742; TOPMed 0.98647; 1000 Genomes Project 30x 0.98720; gnomAD 0.98825; ESP Exome Variant Server 0.98654.

Submissions (6):

Labcorp Genetics (formerly Invitae), Labcorp
Classification: Benign for Autosomal recessive distal spinal muscular atrophy 2; Amyotrophic lateral sclerosis type 16. Last evaluated: 2026-01-26. Review status: criteria provided, single submitter. Criteria: Invitae Variant Classification Sherloc (09022015). Collection method: clinical testing. Allele origin: germline.

Genome-Nilou Lab
Classification: Benign for Amyotrophic lateral sclerosis type 16. Last evaluated: 2021-07-15. Review status: criteria provided, single submitter. Criteria: ACMG Guidelines, 2015. Collection method: clinical testing. Allele origin: germline. Affected: no.

Genome-Nilou Lab
Classification: Benign for Autosomal recessive distal spinal muscular atrophy 2. Last evaluated: 2021-07-15. Review status: criteria provided, single submitter. Criteria: ACMG Guidelines, 2015. Collection method: clinical testing. Allele origin: germline. Affected: no.

GeneDx
Classification: Benign. Last evaluated: 2018-07-03. Review status: criteria provided, single submitter. Criteria: GeneDx Variant Classification Process June 2021. Collection method: clinical testing. Allele origin: germline. Affected: yes.
Comment: This variant is associated with the following publications: (PMID: 26205306)

Breakthrough Genomics
Classification: Benign. Review status: criteria provided, single submitter. Criteria: ACMG Guidelines, 2015. Collection method: not provided. Allele origin: germline. Inheritance: Autosomal recessive inheritance. Affected: yes.

OMIM
Classification: Uncertain significance for VARIANT OF UNKNOWN SIGNIFICANCE. Last evaluated: 2015-07-24. Review status: no assertion criteria provided. Collection method: literature only. Allele origin: germline. Not counted in ClinVar's aggregate classification.

Literature cited by the submitters: PubMed 26205306 (cited by OMIM).

NM_005866.4(SIGMAR1):c.*31A>G

Gene: SIGMAR1 (sigma receptor chaperone 1; minus strand). Cytogenetic location: 9p13.3.
Variant type: single nucleotide variant.
Coding change: c.*31A>G on transcript NM_005866.4 (MANE Select); 31 bases downstream of the stop codon, A replaced by G.
Molecular consequence: 3 prime UTR variant. On other transcripts: non-coding transcript variant (1).
Genome position (GRCh38, 1-based): chr9:34,635,601, T>C on the plus strand (A>G on the coding strand, the complement: SIGMAR1 is on the minus strand). VCF-style: chr9-34635601-T-C. GRCh37 (hg19) VCF-style: chr9-34635598-T-C.
Other names: +31A-G, 3-PRIME UTR (rs4879809); c.*17A>G (NM_001282205.2); c.*31A>G (NM_001282206.2, NM_001282207.2, NM_147157.3); c.*246A>G (NM_001282208.2); c.*230A>G (NM_001282209.2).
Identifiers: ClinVar variation 208122 (VCV000208122.14), dbSNP rs4879809, ClinGen allele CA275931.